The following is an entry in ClinVar:

ClinVar aggregate classification (germline): Uncertain significance (1 of 4 stars; one submission).

Conditions:
Intellectual disability. Also called: Intellectual functioning disability; intellectual disabilities; Intellectual developmental disorder. Identifiers: MedGen C3714756, MeSH D008607, MONDO:0001071, HP:0001249.

Submission:

Johns Hopkins Genomics, Johns Hopkins University
Classification: Uncertain significance for Intellectual disability. Last evaluated: 2024-04-10. Review status: criteria provided, single submitter. Criteria: ACMG Guidelines, 2015. Collection method: clinical testing. Allele origin: germline.
Comment: This JMJD1C variant is absent from a large population dataset and has not been reported in ClinVar nor the literature, to our knowledge. This frameshift variant (p.Glu2489IlefsTer17) is predicted to lead to a premature termination codon (PTC) within the last 50 base pairs of the penultimate exon of the gene, likely escaping nonsense-mediated decay and resulting in a truncated protein product affecting the JmjC domain. Due to insufficient evidence supporting the association of JMJD1C variants with neurocognitive phenotypes, we consider the clinical significance of c.7465_7469del to be uncertain at this time.

Literature cited by the submitters: PubMed 22495311; PubMed 25363768; PubMed 26181491; PubMed 31954878.

NM_032776.3(JMJD1C):c.7465_7469del (p.Glu2489fs)

Gene: JMJD1C (jumonji domain containing 1C; minus strand). Cytogenetic location: 10q21.3.
Variant type: Deletion.
Coding change: c.7465_7469del on transcript NM_032776.3 (MANE Select); coding-DNA positions 7465 to 7469, 5 bases deleted (GAGTC; older notation c.7465_7469delGAGTC).
Protein change: p.Glu2489fs; shifts the reading frame from glutamic acid 2489.
Molecular consequence: frameshift variant. On other transcripts: non-coding transcript variant (1).
Genome position (GRCh38, 1-based): chr10:63,168,499-63,168,503, GACTC deleted on the plus strand (GAGTC on the coding strand, the reverse complement: JMJD1C is on the minus strand). VCF-style (leftmost placement, unchanged base first): chr10-63168498-TGACTC-T. GRCh37 (hg19) VCF-style: chr10-64928258-TGACTC-T.
Other names: c.6919_6923del, p.Glu2307fs (NM_001282948.2, NM_001318154.2); c.6601_6605del, p.Glu2201fs (NM_001318153.2); c.7351_7355del, p.Glu2451fs (NM_001322252.2); c.6808_6812del, p.Glu2270fs (NM_001322254.2, NM_001322258.2); short protein forms E2201fs, E2270fs, E2307fs, E2451fs, E2489fs.
Identifiers: ClinVar variation 4280008 (VCV004280008.1).